The following is an entry in ClinVar:

ClinVar aggregate classification (germline): Likely benign. Review status: criteria provided, multiple submitters, no conflicts (2 of 4 stars). 2 submissions from 2 submitters: Likely benign (2). Last evaluated 2025-12-23.

Conditions:
LOXHD1-related disorder. Also called: LOXHD1-related condition.

Allele frequency attached by ClinVar (database versions not stated): gnomAD exomes 0.00003; ExAC 0.00009; gnomAD 0.00019; TOPMed 0.00022; 1000 Genomes Project 30x 0.00031; 1000 Genomes Project 0.00040; ESP Exome Variant Server 0.00044.
gnomAD v4.1: 76 of 1,551,680 alleles (0.0049%); highest among the groups gnomAD compares: African/African-American, 0.088%; no homozygotes.

Submissions (2):

Labcorp Genetics (formerly Invitae), Labcorp
Classification: Likely benign. Last evaluated: 2025-12-23. Review status: criteria provided, single submitter. Criteria: Invitae Variant Classification Sherloc (09022015). Collection method: clinical testing. Allele origin: germline.

PreventionGenetics, part of Exact Sciences
Classification: Likely benign for LOXHD1-related condition. Last evaluated: 2024-11-06. Review status: criteria provided, single submitter. Criteria: ACMG Guidelines, 2015. Collection method: clinical testing. Allele origin: germline.
Comment: This variant is classified as likely benign based on ACMG/AMP sequence variant interpretation guidelines (Richards et al. 2015 PMID: 25741868, with internal and published modifications).

NM_001384474.1(LOXHD1):c.5019C>T (p.Phe1673=)

Gene: LOXHD1 (lipoxygenase homology PLAT domains 1; minus strand). Cytogenetic location: 18q21.1.
Variant type: single nucleotide variant.
Coding change: c.5019C>T on transcript NM_001384474.1 (MANE Select); coding-DNA position 5019, C replaced by T.
Protein change: p.Phe1673=; no amino-acid change (phenylalanine 1673 retained).
Molecular consequence: synonymous variant.
Genome position (GRCh38, 1-based): chr18:46,522,167, G>A on the plus strand (C>T on the coding strand, the complement: LOXHD1 is on the minus strand). VCF-style: chr18-46522167-G-A. GRCh37 (hg19) VCF-style: chr18-44102130-G-A.
Other names: c.1686C>T, p.Phe562= (NM_001145472.3); c.1398C>T, p.Phe466= (NM_001308013.2); c.5019C>T, p.Phe1673= (NM_144612.7).
Identifiers: ClinVar variation 766058 (VCV000766058.11), dbSNP rs183427229, ClinGen allele CA8952267.